The following is an entry in ClinVar:

ClinVar aggregate classification (germline): Uncertain significance (1 of 4 stars; one submission).

Conditions:
Developmental and epileptic encephalopathy, 30 (DEE30). Also called: Epileptic encephalopathy, early infantile, 30. Identifiers: MedGen C4225360, MONDO:0014595, OMIM 616341.

Submission:

Labcorp Genetics (formerly Invitae), Labcorp
Classification: Uncertain significance for Developmental and epileptic encephalopathy, 30. Last evaluated: 2022-10-17. Review status: criteria provided, single submitter. Criteria: Invitae Variant Classification Sherloc (09022015). Collection method: clinical testing. Allele origin: germline.
Comment: In summary, the available evidence is currently insufficient to determine the role of this variant in disease. Therefore, it has been classified as a Variant of Uncertain Significance. Advanced modeling of protein sequence and biophysical properties (such as structural, functional, and spatial information, amino acid conservation, physicochemical variation, residue mobility, and thermodynamic stability) performed at Invitae indicates that this missense variant is not expected to disrupt SIK1 protein function. This variant has not been reported in the literature in individuals affected with SIK1-related conditions. This variant is not present in population databases (gnomAD no frequency). This sequence change replaces serine, which is neutral and polar, with leucine, which is neutral and non-polar, at codon 5 of the SIK1 protein (p.Ser5Leu).

NM_173354.5(SIK1):c.14C>T (p.Ser5Leu)

Gene: SIK1 (salt inducible kinase 1; minus strand). Cytogenetic location: 21q22.3.
Variant type: single nucleotide variant.
Coding change: c.14C>T on transcript NM_173354.5 (MANE Select); coding-DNA position 14, C replaced by T.
Protein change: p.Ser5Leu; replaces serine 5 with leucine.
Molecular consequence: missense variant.
Genome position (GRCh38, 1-based): chr21:43,426,165, G>A on the plus strand (C>T on the coding strand, the complement: SIK1 is on the minus strand). VCF-style: chr21-43426165-G-A. GRCh37 (hg19) VCF-style: chr21-44846045-G-A.
Other names: short protein forms S5L.
Identifiers: ClinVar variation 1721268 (VCV001721268.6), dbSNP rs2516969265, ClinGen allele CA410611196.